The following is an entry in ClinVar:

NM_001854.4(COL11A1):c.2557-138G>A

Gene: COL11A1 (collagen type XI alpha 1 chain; minus strand). Cytogenetic location: 1p21.1.
Variant type: single nucleotide variant.
Coding change: c.2557-138G>A on transcript NM_001854.4 (MANE Select); 138 bases into the intron before coding-DNA position 2557, G replaced by A.
Molecular consequence: intron variant.
Genome position (GRCh38, 1-based): chr1:102,979,573, C>T on the plus strand (G>A on the coding strand, the complement: COL11A1 is on the minus strand). VCF-style: chr1-102979573-C-T. GRCh37 (hg19) VCF-style: chr1-103445129-C-T.
Other names: c.2440-138G>A (NM_001190709.2); c.2593-138G>A (NM_080629.3); c.2209-138G>A (NM_080630.4).
Identifiers: ClinVar variation 679468 (VCV000679468.1), dbSNP rs114094014, ClinGen allele CA974388.

ClinVar aggregate classification (germline): Likely benign (1 of 4 stars; one submission).

Allele frequency attached by ClinVar (database versions not stated): gnomAD exomes 0.00089 and 0.00162; ExAC 0.00297; ESP Exome Variant Server 0.00583; gnomAD 0.00696 and 0.00725; TOPMed 0.00745; 1000 Genomes Project 30x 0.01031; 1000 Genomes Project 0.01038.
gnomAD v4.1: 1,587 of 720,386 alleles (0.22%); highest among the groups gnomAD compares: African/African-American, 2.4%; 21 homozygotes.

Submission:

GeneDx
Classification: Likely benign. Last evaluated: 2018-06-14. Review status: criteria provided, single submitter. Criteria: GeneDx Variant Classification (06012015). Collection method: clinical testing. Allele origin: germline. Affected: yes.
Comment: This variant is considered likely benign or benign based on one or more of the following criteria: it is a conservative change, it occurs at a poorly conserved position in the protein, it is predicted to be benign by multiple in silico algorithms, and/or has population frequency not consistent with disease.